The following is an entry in ClinVar:

ClinVar aggregate classification (germline): Conflicting classifications of pathogenicity. Review status: criteria provided, conflicting classifications (1 of 4 stars). 3 submissions from 2 submitters: Likely pathogenic (1); Uncertain significance (1); Uncertain risk allele (1). Last evaluated 2024-05-27.

Conditions:
Hyperinsulinemic hypoglycemia, familial, 1 (HHF1). Also called: Persistent hyperinsulinemic hypoglycemia of infancy; Persistent Hyperinsulinemia Hypoglycemia of Infancy; HYPERINSULINISM, FAMILIAL, WITH PANCREATIC NESIDIOBLASTOSIS; HYPOGLYCEMIA, HYPERINSULINEMIC, OF INFANCY; NESIDIOBLASTOSIS OF PANCREAS. Identifiers: Orphanet 276575, Orphanet 276598, MedGen C2931832, MONDO:0009734, OMIM 256450.
Maturity-onset diabetes of the young (MODY). Also called: Maturity onset diabetes mellitus in young. Identifiers: Orphanet 552, MedGen C0342276, MONDO:0018911, HP:0004904.
Transitory neonatal diabetes mellitus. Also called: Transient neonatal diabetes mellitus. Identifiers: MedGen C0342273, MONDO:0020525, HP:0008255.

Submissions (3):

Clinical Genomics, Uppaluri K&H Personalized Medicine Clinic
Classification: Uncertain risk allele for Maturity-onset diabetes of the young. Last evaluated: 2024-05-27. Review status: criteria provided, single submitter. Criteria: K And H Uppaluri Personalized Medicine Clinic Variant Classification And Assertion Criteria Updated V 2. Collection method: research. Allele origin: unknown.
Comment: This variant is found to be a potent moderate impact, deleterious variant with a CADD score of 25.3 and sufficient scientific evidence to support gene-disease correlation. However, since this is not a high impact variant and has no variant evidence, this variant is reclassified as Uncertain Risk Allele

Genetic Services Laboratory, University of Chicago
Classification: Likely pathogenic for Hyperinsulinemic hypoglycemia, familial, 1. Last evaluated: 2016-11-16. Review status: criteria provided, single submitter. Criteria: ACMG Guidelines, 2015. Collection method: clinical testing. Allele origin: germline. Affected: yes.

Clinical Genomics, Uppaluri K&H Personalized Medicine Clinic
Classification: Uncertain significance for Transitory neonatal diabetes mellitus. Review status: criteria provided, single submitter. Criteria: K & H Uppaluri Personalized Medicine Clinic Variant Classification & Assertion Criteria_Updated V.1. Collection method: research. Allele origin: somatic. Inheritance: Somatic mutation.
Comment: Mutations in ABCC8 gene are associated with both neonatal diabetes mellitus as well as MODY. Patients with this mutation may have a better response to sulfonylureas. However, no sufficient evidence is found to ascertain the role of this particular variant (rs1554905662) in neonatal diabetes yet.

Literature cited by the submitters: PubMed 31216263 (cited by Clinical Genomics, Uppaluri K&H Personalized Medicine Clinic); PubMed 38095268 (cited by Clinical Genomics, Uppaluri K&H Personalized Medicine Clinic); PubMed 38513803 (cited by Clinical Genomics, Uppaluri K&H Personalized Medicine Clinic); PubMed 16885549 (cited by Clinical Genomics, Uppaluri K&H Personalized Medicine Clinic); PubMed 21989597 (cited by Clinical Genomics, Uppaluri K&H Personalized Medicine Clinic); PubMed 27538677 (cited by Clinical Genomics, Uppaluri K&H Personalized Medicine Clinic); PubMed 18981553 (cited by Clinical Genomics, Uppaluri K&H Personalized Medicine Clinic); PubMed 32027066 (cited by Clinical Genomics, Uppaluri K&H Personalized Medicine Clinic); PubMed 16613899 (cited by Clinical Genomics, Uppaluri K&H Personalized Medicine Clinic); PubMed 18025408 (cited by Clinical Genomics, Uppaluri K&H Personalized Medicine Clinic); PubMed 32792356 (cited by Clinical Genomics, Uppaluri K&H Personalized Medicine Clinic).

NM_000352.6(ABCC8):c.4109C>T (p.Pro1370Leu)

Gene: ABCC8 (ATP binding cassette subfamily C member 8; minus strand). Cytogenetic location: 11p15.1.
Variant type: single nucleotide variant.
Coding change: c.4109C>T on transcript NM_000352.6 (MANE Select); coding-DNA position 4109, C replaced by T.
Protein change: p.Pro1370Leu; replaces proline 1370 with leucine.
Molecular consequence: missense variant. On other transcripts: non-coding transcript variant (1).
Genome position (GRCh38, 1-based): chr11:17,396,926, G>A on the plus strand (C>T on the coding strand, the complement: ABCC8 is on the minus strand). VCF-style: chr11-17396926-G-A. GRCh37 (hg19) VCF-style: chr11-17418473-G-A.
Other names: c.4112C>T, p.Pro1371Leu (NM_001287174.3); c.4175C>T, p.Pro1392Leu (NM_001351295.2); c.4109C>T, p.Pro1370Leu (NM_001351296.2); c.4106C>T, p.Pro1369Leu (NM_001351297.2); short protein forms P1370L, P1371L, P1369L, P1392L.
Identifiers: ClinVar variation 434046 (VCV000434046.9), dbSNP rs1554905662, ClinGen allele CA379790212.
Genomic context (GRCh38, chr11:17,396,926, plus strand): 5'-TCCCCTGCTCACGCCTGTCCTGCAGCATTGGGTTGGGCCCGTGCTCTGACCTTCTGTCCA[G>A]GGGCGATGAGGGCATTGACGTGCTTCAGCACCGGCTTCAGGGAGCTGTCGTAGCGCACGC-3'
Protein context (NP_000343.2, residues 1360-1380): VLKHVNALIA[Pro1370Leu]GQKIGICGRT